The following is an entry in ClinVar:

ClinVar aggregate classification (germline): Likely benign (1 of 4 stars; one submission).

gnomAD v4.1: 14 of 1,611,546 alleles (0.00087%); highest among the groups gnomAD compares: Non-Finnish European, 0.0012%; no homozygotes.

Submission:

CeGaT Center for Human Genetics Tuebingen
Classification: Likely benign. Last evaluated: 2023-01-01. Review status: criteria provided, single submitter. Criteria: CeGaT Center For Human Genetics Tuebingen Variant Classification Criteria Version 2. Collection method: clinical testing. Allele origin: germline. Affected: yes. Observed: 1 variant allele.
Comment: FARSB: BP4, BP7

NM_005687.5(FARSB):c.465A>G (p.Ala155=)

Gene: FARSB (phenylalanyl-tRNA synthetase subunit beta; minus strand). Cytogenetic location: 2q36.1.
Variant type: single nucleotide variant.
Coding change: c.465A>G on transcript NM_005687.5 (MANE Select); coding-DNA position 465, A replaced by G.
Protein change: p.Ala155=; no amino-acid change (alanine 155 retained).
Molecular consequence: synonymous variant. On other transcripts: non-coding transcript variant (1).
Genome position (GRCh38, 1-based): chr2:222,634,532, T>C on the plus strand (A>G on the coding strand, the complement: FARSB is on the minus strand). VCF-style: chr2-222634532-T-C. GRCh37 (hg19) VCF-style: chr2-223499251-T-C.
Identifiers: ClinVar variation 2651943 (VCV002651943.24), dbSNP rs1267683890, ClinGen allele CA431471696.